The following is an entry in ClinVar:

ClinVar aggregate classification (germline): Likely pathogenic (1 of 4 stars; one submission).

Conditions:
Weill-Marchesani 4 syndrome, recessive. Also called: Weill-Marchesani syndrome 4. Identifiers: Orphanet 363992, MedGen C2750787, MONDO:0013176, OMIM 613195.

Submission:

Juno Genomics, Hangzhou Juno Genomics, Inc
Classification: Likely pathogenic for Weill-Marchesani 4 syndrome, recessive. Review status: criteria provided, single submitter. Criteria: ACMG Guidelines, 2015. Collection method: clinical testing. Allele origin: germline.
Comment: Null variant in a gene where loss of function (LOF) is a known mechanism of disease.;Absent from controls (or at extremely low frequency if recessive) in Genome Aggregation Database.

NM_139057.4(ADAMTS17):c.681del (p.Leu228fs)

Gene: ADAMTS17 (ADAM metallopeptidase with thrombospondin type 1 motif 17; minus strand). Cytogenetic location: 15q26.3.
Variant type: Deletion.
Coding change: c.681del on transcript NM_139057.4 (MANE Select); coding-DNA position 681, one base deleted (G; older notation c.681delG).
Protein change: p.Leu228fs; shifts the reading frame from leucine 228.
Molecular consequence: frameshift variant.
Genome position (GRCh38, 1-based): chr15:100,281,337, C deleted on the plus strand (G on the coding strand, the reverse complement: ADAMTS17 is on the minus strand); the first of 2 consecutive C bases (chr15:100,281,337-100,281,338); deleting either gives the same sequence. VCF-style (leftmost placement, unchanged base first): chr15-100281336-GC-G. GRCh37 (hg19) VCF-style: chr15-100821541-GC-G.
Other names: short protein forms L228fs.
Identifiers: ClinVar variation 5005369 (VCV005005369.2).